The following is an entry in ClinVar:

NM_000702.4(ATP1A2):c.3017T>C (p.Leu1006Pro)

Gene: ATP1A2 (ATPase Na+/K+ transporting subunit alpha 2; plus strand). Cytogenetic location: 1q23.2.
Variant type: single nucleotide variant.
Coding change: c.3017T>C on transcript NM_000702.4 (MANE Select); coding-DNA position 3017, T replaced by C.
Protein change: p.Leu1006Pro; replaces leucine 1006 with proline.
Molecular consequence: missense variant.
Genome position (GRCh38, 1-based): chr1:160,139,967, T>C. VCF-style: chr1-160139967-T-C. GRCh37 (hg19) VCF-style: chr1-160109757-T-C.
Other names: short protein forms L1006P.
Identifiers: ClinVar variation 2696717 (VCV002696717.3), dbSNP rs2524899231, ClinGen allele CA343256647.

ClinVar aggregate classification (germline): Uncertain significance (1 of 4 stars; one submission).

Conditions:
Familial hemiplegic migraine. Identifiers: MedGen C0338484, MONDO:0000700.

Submission:

Labcorp Genetics (formerly Invitae), Labcorp
Classification: Uncertain significance for Familial hemiplegic migraine. Last evaluated: 2023-11-17. Review status: criteria provided, single submitter. Criteria: Invitae Variant Classification Sherloc (09022015). Collection method: clinical testing. Allele origin: germline.
Comment: This sequence change replaces leucine, which is neutral and non-polar, with proline, which is neutral and non-polar, at codon 1006 of the ATP1A2 protein (p.Leu1006Pro). This variant is not present in population databases (gnomAD no frequency). This variant has not been reported in the literature in individuals affected with ATP1A2-related conditions. Advanced modeling of protein sequence and biophysical properties (such as structural, functional, and spatial information, amino acid conservation, physicochemical variation, residue mobility, and thermodynamic stability) performed at Invitae indicates that this missense variant is not expected to disrupt ATP1A2 protein function with a negative predictive value of 80%. In summary, the available evidence is currently insufficient to determine the role of this variant in disease. Therefore, it has been classified as a Variant of Uncertain Significance.